The following is an entry in ClinVar:

ClinVar aggregate classification (germline): Uncertain significance (1 of 4 stars; one submission).

Conditions:
Cardiovascular phenotype. Identifiers: MedGen CN230736.

Submission:

Ambry Genetics
Classification: Uncertain significance for Cardiovascular phenotype. Last evaluated: 2024-08-15. Review status: criteria provided, single submitter. Criteria: Ambry Variant Classification Scheme 2023. Collection method: clinical testing. Allele origin: germline.
Comment: The p.P887A variant (also known as c.2659C>G), located in coding exon 5 of the TNXB gene, results from a C to G substitution at nucleotide position 2659. The proline at codon 887 is replaced by alanine, an amino acid with highly similar properties. This amino acid position is conserved. In addition, this alteration is predicted to be tolerated by in silico analysis. Based on the available evidence, the clinical significance of this variant remains unclear.

NM_001365276.2(TNXB):c.2659C>G (p.Pro887Ala)

Gene: TNXB (tenascin XB; minus strand). Cytogenetic location: 6p21.33.
Variant type: single nucleotide variant.
Coding change: c.2659C>G on transcript NM_001365276.2 (MANE Select); coding-DNA position 2659, C replaced by G.
Protein change: p.Pro887Ala; replaces proline 887 with alanine.
Molecular consequence: missense variant.
Genome position (GRCh38, 1-based): chr6:32,088,905, G>C on the plus strand (C>G on the coding strand, the complement: TNXB is on the minus strand). VCF-style: chr6-32088905-G-C. GRCh37 (hg19) VCF-style: chr6-32056682-G-C.
Other names: c.2659C>G, p.Pro887Ala (NM_001428335.1, NM_019105.8); short protein forms P887A.
Identifiers: ClinVar variation 3459774 (VCV003459774.1).